The following is an entry in ClinVar:

NM_000264.5(PTCH1):c.420A>G (p.Leu140=)

Gene: PTCH1 (patched 1; minus strand). Cytogenetic location: 9q22.32.
Variant type: single nucleotide variant.
Coding change: c.420A>G on transcript NM_000264.5 (MANE Select); coding-DNA position 420, A replaced by G.
Protein change: p.Leu140=; no amino-acid change (leucine 140 retained).
Molecular consequence: synonymous variant. On other transcripts: 5 prime UTR variant (4), non-coding transcript variant (1).
Genome position (GRCh38, 1-based): chr9:95,485,849, T>C on the plus strand (A>G on the coding strand, the complement: PTCH1 is on the minus strand). VCF-style: chr9-95485849-T-C. GRCh37 (hg19) VCF-style: chr9-98248131-T-C.
Other names: c.222A>G, p.Leu74= (NM_001083602.3, NM_001354919.2); c.417A>G, p.Leu139= (NM_001083603.3); c.-34A>G (NM_001083604.3, NM_001083605.3, NM_001083606.3 and 1 more transcripts); c.420A>G, p.Leu140= (NM_001354918.2).
Identifiers: ClinVar variation 219807 (VCV000219807.28), dbSNP rs372559495, ClinGen allele CA348850.

ClinVar aggregate classification (germline): Likely benign. Review status: criteria provided, multiple submitters, no conflicts (2 of 4 stars). 5 submissions from 5 submitters: Likely benign (5). Last evaluated 2026-07-21.

Conditions:
Hereditary cancer-predisposing syndrome. Also called: Neoplastic Syndromes, Hereditary; Hereditary Cancer Syndrome; Tumor predisposition; Hereditary neoplastic syndrome. Identifiers: Orphanet 140162, MedGen C0027672, MeSH D009386, MONDO:0015356.
Gorlin syndrome. Also called: Nevoid Basal Cell Carcinoma Syndrome; Basal cell nevus syndrome. Identifiers: Orphanet 377, MedGen C0004779, MONDO:0007187.
PTCH1-related disorder. Also called: PTCH1-related disorders; PTCH1-related condition.

Allele frequency attached by ClinVar (database versions not stated): gnomAD exomes 0.00002 and below 0.00001; ExAC 0.00003; gnomAD 0.00007 and 0.00008; TOPMed 0.00007; ESP Exome Variant Server 0.00015.
gnomAD v4.1: 21 of 1,614,230 alleles (0.0013%); highest among the groups gnomAD compares: African/African-American, 0.023%; no homozygotes.

Submissions (5):

PreventionGenetics, part of Exact Sciences
Classification: Likely benign for PTCH1-related condition. Last evaluated: 2026-07-21. Review status: criteria provided, single submitter. Criteria: ACMG Guidelines, 2015. Collection method: clinical testing. Allele origin: germline.
Comment: This variant is classified as likely benign based on ACMG/AMP sequence variant interpretation guidelines (Richards et al. 2015 PMID: 25741868, with internal and published modifications).

Labcorp Genetics (formerly Invitae), Labcorp
Classification: Likely benign for Gorlin syndrome. Last evaluated: 2026-01-22. Review status: criteria provided, single submitter. Criteria: Invitae Variant Classification Sherloc (09022015). Collection method: clinical testing. Allele origin: germline.

CeGaT Center for Human Genetics Tuebingen
Classification: Likely benign. Last evaluated: 2025-10-01. Review status: criteria provided, single submitter. Criteria: CeGaT Center For Human Genetics Tuebingen Variant Classification Criteria Version 2. Collection method: clinical testing. Allele origin: germline. Affected: yes. Observed: 2 variant alleles.
Comment: PTCH1: BP4, BP7

KCCC/NGS Laboratory, Kuwait Cancer Control Center
Classification: Likely benign for Basal cell nevus syndrome 1. Last evaluated: 2023-07-07. Review status: criteria provided, single submitter. Criteria: ACMG Guidelines, 2015. Collection method: clinical testing. Allele origin: germline. Affected: yes.

Ambry Genetics
Classification: Likely benign for Hereditary cancer-predisposing syndrome. Last evaluated: 2019-07-16. Review status: criteria provided, single submitter. Criteria: Ambry Variant Classification Scheme 2023. Collection method: clinical testing. Allele origin: germline.